The following is an entry in ClinVar:

ClinVar aggregate classification (germline): Likely pathogenic (1 of 4 stars; one submission).

Conditions:
ADGRV1-related disorder. Also called: ADGRV1-related disorders; ADGRV1-related condition.

Submission:

PreventionGenetics, part of Exact Sciences
Classification: Likely pathogenic for ADGRV1-related condition. Last evaluated: 2025-09-11. Review status: criteria provided, single submitter. Criteria: ACMG Guidelines, 2015. Collection method: clinical testing. Allele origin: germline.
Comment: The ADGRV1 c.3065_3066delTT variant is predicted to result in a frameshift and premature protein termination (p.Phe1022Tyrfs*9). To our knowledge, this variant has not been reported in the literature or in a large population database (gnomAD), indicating this variant is rare. Frameshift variants in ADGRV1 are expected to be pathogenic. This variant is interpreted as likely pathogenic.

NM_032119.4(ADGRV1):c.3065_3066del (p.Phe1022fs)

Gene: ADGRV1 (adhesion G protein-coupled receptor V1; plus strand). Cytogenetic location: 5q14.3.
Variant type: Deletion.
Coding change: c.3065_3066del on transcript NM_032119.4 (MANE Select); coding-DNA positions 3065 to 3066, 2 bases deleted (TT; older notation c.3065_3066delTT).
Protein change: p.Phe1022fs; shifts the reading frame from phenylalanine 1022.
Molecular consequence: frameshift variant. On other transcripts: non-coding transcript variant (1).
Genome position (GRCh38, 1-based): chr5:90,647,540-90,647,541, TT deleted; deleting any 2 consecutive bases within chr5:90,647,539-90,647,541 gives the same sequence; the c. name uses the placement nearest the transcript's 3' end. VCF-style (leftmost placement, unchanged base first): chr5-90647538-CTT-C. GRCh37 (hg19) VCF-style: chr5-89943355-CTT-C.
Other names: short protein forms F1022fs.
Identifiers: ClinVar variation 4991933 (VCV004991933.1).